The following is an entry in ClinVar:

NM_000018.4(ACADVL):c.227G>A (p.Gly76Glu)

Gene: ACADVL (acyl-CoA dehydrogenase very long chain; plus strand). Cytogenetic location: 17p13.1.
Variant type: single nucleotide variant.
Coding change: c.227G>A on transcript NM_000018.4 (MANE Select); coding-DNA position 227, G replaced by A.
Protein change: p.Gly76Glu; replaces glycine 76 with glutamic acid.
Molecular consequence: missense variant. On other transcripts: 5 prime UTR variant (1).
Genome position (GRCh38, 1-based): chr17:7,220,626, G>A. VCF-style: chr17-7220626-G-A. GRCh37 (hg19) VCF-style: chr17-7123945-G-A.
Other names: c.227G>A (NM_000018.2); c.161G>A, p.Gly54Glu (NM_001033859.3); c.296G>A, p.Gly99Glu (NM_001270447.2); c.-2G>A (NM_001270448.2); short protein forms G76E, G54E, G99E.
Identifiers: ClinVar variation 554006 (VCV000554006.24), dbSNP rs750043368, ClinGen allele CA8337604.
Genomic context (GRCh38, chr17:7,220,626, plus strand): 5'-CCCAACCAGAGCCCTGAAATTTGCCTCTCTCTGCCCAGGAATCTAAGTCCTTTGCTGTGG[G>A]AATGTTCAAAGGCCAGCTCACCACAGATCAGGTGTTCCCATACCCGTCCGGTAAGGGAAG-3'
Protein context (NP_000009.1, residues 66-86): AKAESKSFAV[Gly76Glu]MFKGQLTTDQ

ClinVar aggregate classification (germline): Conflicting classifications of pathogenicity. Review status: criteria provided, conflicting classifications (1 of 4 stars). 9 submissions from 9 submitters: Pathogenic (1); Likely pathogenic (3); Uncertain significance (4). 1 of the submissions does not count toward it. Last evaluated 2026-01-26.

Conditions:
Inborn genetic diseases. Identifiers: MedGen C0950123, MeSH D030342.
Very long chain acyl-CoA dehydrogenase deficiency (ACADVLD). Also called: Very Long-Chain Acyl-Coenzyme A Dehydrogenase Deficiency; VLCAD Deficiency. Identifiers: Orphanet 26793, MedGen C3887523, MONDO:0008723, OMIM 201475.

Allele frequency attached by ClinVar (database versions not stated): gnomAD exomes 0.00001; ExAC 0.00002.
gnomAD v4.1: 13 of 1,614,196 alleles (0.00081%); highest among the groups gnomAD compares: Middle Eastern, 0.016%; no homozygotes.

Submissions (9):

Natera, Inc.
Classification: Likely pathogenic for Very long chain acyl-CoA dehydrogenase deficiency. Last evaluated: 2026-01-26. Review status: criteria provided, single submitter. Criteria: Natera Variant Classification Schema (03/2026). Collection method: clinical testing. Allele origin: germline.
Comment: The c.227G>A variant in ACADVL is a missense variant predicted to cause substitution of glycine to glutamic acid at amino acid 76. This variant is rare in the general population with a frequency below the threshold expected for the associated phenotype(s). This variant has been observed in one or more individuals affected with the associated recessive disease, as either homozygous or compound heterozygous with a second variant (PMID: 16860141, 30194637). Given the available evidence, this variant is classified as Likely Pathogenic.

Labcorp Genetics (formerly Invitae), Labcorp
Classification: Pathogenic for Very long chain acyl-CoA dehydrogenase deficiency. Last evaluated: 2025-11-28. Review status: criteria provided, single submitter. Criteria: Invitae Variant Classification Sherloc (09022015). Collection method: clinical testing. Allele origin: germline.
Comment: This sequence change replaces glycine, which is neutral and non-polar, with glutamic acid, which is acidic and polar, at codon 76 of the ACADVL protein (p.Gly76Glu). This variant is present in population databases (rs750043368, gnomAD 0.006%). This missense change has been observed in individual(s) with very-long-chain acyl-CoA dehydrogenase deficiency (PMID: 16860141, 30194637). This variant is also known as G36Q. ClinVar contains an entry for this variant (Variation ID: 554006). Invitae Evidence Modeling of protein sequence and biophysical properties (such as structural, functional, and spatial information, amino acid conservation, physicochemical variation, residue mobility, and thermodynamic stability) indicates that this missense variant is expected to disrupt ACADVL protein function with a positive predictive value of 80%. For these reasons, this variant has been classified as Pathogenic.

Women's Health and Genetics/Laboratory Corporation of America, LabCorp
Classification: Uncertain significance. Last evaluated: 2025-09-12. Review status: criteria provided, single submitter. Criteria: LabCorp Variant Classification Summary - May 2015. Collection method: clinical testing. Allele origin: germline.
Comment: Variant summary: ACADVL c.227G>A (p.Gly76Glu) results in a non-conservative amino acid change in the encoded protein sequence. Algorithms developed to predict the effect of missense changes on protein structure and function are either unavailable or do not agree on the potential impact of this missense change. The variant allele was found at a frequency of 8e-06 in 251474 control chromosomes. c.227G>A has been observed in at least-one compound heterozygous infant (example: Schymik_2006, Liebig_2006) with enzymatically confirmed VLCAD-deficiency and 3 homozygous infants (example: Hesse_2018) with suspected Very Long Chain Acyl-CoA Dehydrogenase Deficiency (VLCADD) with positive newborn screening results. Clinical phenotypes were not provided for any of these individuals. Thus, these report(s) do not provide unequivocal conclusions about association of the variant with Very Long Chain Acyl-CoA Dehydrogenase Deficiency. At least one publication reports experimental evidence evaluating an impact on protein function. Specifically, a residual VLCAD activity level in lymphocytes was measured in the 3 homozygous infants suspected of having VLCADD and described above. These infants were found to have residual VLCAD activity levels between 35-38% (those considered to have true VLCADD in this study had residual activity levels ranging from 0-23%)(example: Hesse_2018). Further, the compound heterozygous individual had essentially undetectable enzymatic activity in patient lymphocytes assessed by palmitoyl-CoA substrate assay (Schymik_2006), however the activity of p.Gly76Glu alone could not be determined and this result conflicts with findings from Hesse_2018. The following publications have been ascertained in the context of this evaluation (PMID: 30194637, 16950999, 16860141, 23169530, 34426522, 39188284). ClinVar contains an entry for this variant (Variation ID: 554006). Based on the evidence outlined above, the variant was classified as VUS-possibly pathogenic.

Department of Human Genetics, Hannover Medical School
Classification: Uncertain significance for Very long chain acyl-CoA dehydrogenase deficiency. Last evaluated: 2025-01-21. Review status: criteria provided, single submitter. Criteria: ACMG Guidelines, 2015. Collection method: clinical testing. Allele origin: germline. Inheritance: Autosomal recessive inheritance. Affected: yes.
Comment: ClinGen VCEP: PM2_Supporting, PM3, PP4_Moderate

Baylor Genetics
Classification: Likely pathogenic for Very long chain acyl-CoA dehydrogenase deficiency. Last evaluated: 2024-02-22. Review status: criteria provided, single submitter. Criteria: ACMG Guidelines, 2015. Collection method: clinical testing. Allele origin: unknown.

Neuberg Centre For Genomic Medicine, NCGM
Classification: Likely pathogenic for Very long chain acyl-CoA dehydrogenase deficiency. Last evaluated: 2023-03-01. Review status: criteria provided, single submitter. Criteria: ACMG Guidelines, 2015. Collection method: clinical testing. Allele origin: germline. Inheritance: Autosomal recessive inheritance. Affected: yes.
Comment: The missense c.227G>A(p.Gly76Glu) variant in ACADVL gene has been reported previously in homozygous or compound heterozygous state in individual(s) affected with very-long-chain acyl-CoA dehydrogenase deficiency (Hesse J et al., 2018). This variant is reported with the allele frequency of 0.0008% in the gnomAD Exomes and novel in 1000 Genomes. This variant has been reported to the ClinVar database as Uncertain Significance / Pathogenic. The amino acid Gly at position 76 is changed to a Glu changing protein sequence and it might alter its composition and physico-chemical properties. The amino acid change p.Gly76Glu in ACADVL is predicted as conserved by GERP++ and PhyloP across 100 vertebrates. Advanced modeling of protein sequence and biophysical properties (such as structural, functional, and spatial information, amino acid conservation, physicochemical variation, residue mobility, and thermodynamic stability) indicates that this missense variant is expected to disrupt ACADVL protein function. For these reasons, this variant has been classified as Likely Pathogenic. .

Ambry Genetics
Classification: Uncertain significance for Inborn genetic diseases. Last evaluated: 2022-01-19. Review status: criteria provided, single submitter. Criteria: Ambry Variant Classification Scheme 2023. Collection method: clinical testing. Allele origin: germline.

Genome-Nilou Lab
Classification: Uncertain significance for Very long chain acyl-CoA dehydrogenase deficiency. Last evaluated: 2021-07-14. Review status: criteria provided, single submitter. Criteria: ACMG Guidelines, 2015. Collection method: clinical testing. Allele origin: germline. Affected: no.

Counsyl
Classification: Uncertain significance for Very long chain acyl-CoA dehydrogenase deficiency. Last evaluated: 2017-09-21. Review status: no assertion criteria provided. Collection method: clinical testing. Allele origin: unknown. Not counted in ClinVar's aggregate classification.

Literature cited by the submitters: PubMed 16860141 (cited by 5 submitters); PubMed 30194637 (cited by 4 submitters); PubMed 16950999 (cited by Women's Health and Genetics/Laboratory Corporation of America, LabCorp); PubMed 23169530 (cited by Women's Health and Genetics/Laboratory Corporation of America, LabCorp); PubMed 34426522 (cited by Women's Health and Genetics/Laboratory Corporation of America, LabCorp); PubMed 39188284 (cited by Women's Health and Genetics/Laboratory Corporation of America, LabCorp).